The following is an entry in ClinVar:

NM_000245.4(MET):c.1945T>C (p.Tyr649His)

Gene: MET (MET proto-oncogene, receptor tyrosine kinase; plus strand). Cytogenetic location: 7q31.2.
Variant type: single nucleotide variant.
Coding change: c.1945T>C on transcript NM_000245.4 (MANE Select); coding-DNA position 1945, T replaced by C.
Protein change: p.Tyr649His; replaces tyrosine 649 with histidine.
Molecular consequence: missense variant.
Genome position (GRCh38, 1-based): chr7:116,757,519, T>C. VCF-style: chr7-116757519-T-C. GRCh37 (hg19) VCF-style: chr7-116397573-T-C.
Other names: c.1945T>C, p.Tyr649His (NM_001127500.3, NM_001324401.3); c.655T>C, p.Tyr219His (NM_001324402.2); short protein forms Y219H, Y649H.
Identifiers: ClinVar variation 1911045 (VCV001911045.6), dbSNP rs2116921026, ClinGen allele CA368979474.

ClinVar aggregate classification (germline): Uncertain significance. Review status: criteria provided, multiple submitters, no conflicts (2 of 4 stars). 2 submissions from 2 submitters: Uncertain significance (2). Last evaluated 2026-05-15.

Conditions:
Renal cell carcinoma. Identifiers: Orphanet 217071, MedGen C0007134, MeSH D002292, MONDO:0005086, HP:0005584.
Hereditary cancer-predisposing syndrome. Also called: Neoplastic Syndromes, Hereditary; Tumor predisposition; Hereditary Cancer Syndrome; Hereditary neoplastic syndrome. Identifiers: Orphanet 140162, MedGen C0027672, MeSH D009386, MONDO:0015356.

Allele frequency attached by ClinVar (database versions not stated): gnomAD exomes below 0.00001.
gnomAD v4.1: 2 of 1,613,574 alleles (0.00012%); highest among the groups gnomAD compares: Non-Finnish European, 0.00017%; no homozygotes.

Submissions (2):

Ambry Genetics
Classification: Uncertain significance for Hereditary cancer-predisposing syndrome. Last evaluated: 2026-05-15. Review status: criteria provided, single submitter. Criteria: Ambry Variant Classification Scheme 2023. Collection method: clinical testing. Allele origin: germline.
Comment: The p.Y649H variant (also known as c.1945T>C), located in coding exon 6 of the MET gene, results from a T to C substitution at nucleotide position 1945. The tyrosine at codon 649 is replaced by histidine, an amino acid with similar properties. This amino acid position is not well conserved in available vertebrate species. In addition, this alteration is predicted to be tolerated by in silico analysis. Based on the available evidence, the clinical significance of this variant remains unclear.

Labcorp Genetics (formerly Invitae), Labcorp
Classification: Uncertain significance for Renal cell carcinoma. Last evaluated: 2025-11-17. Review status: criteria provided, single submitter. Criteria: Invitae Variant Classification Sherloc (09022015). Collection method: clinical testing. Allele origin: germline.
Comment: This sequence change replaces tyrosine, which is neutral and polar, with histidine, which is basic and polar, at codon 649 of the MET protein (p.Tyr649His). This variant is not present in population databases (gnomAD no frequency). This variant has not been reported in the literature in individuals affected with MET-related conditions. ClinVar contains an entry for this variant (Variation ID: 1911045). Invitae Evidence Modeling of protein sequence and biophysical properties (such as structural, functional, and spatial information, amino acid conservation, physicochemical variation, residue mobility, and thermodynamic stability) indicates that this missense variant is not expected to disrupt MET protein function with a negative predictive value of 80%. In summary, the available evidence is currently insufficient to determine the role of this variant in disease. Therefore, it has been classified as a Variant of Uncertain Significance.